The following is an entry in ClinVar:

NM_001035.3(RYR2):c.14807A>G (p.Gln4936Arg)

Gene: RYR2 (ryanodine receptor 2; plus strand). Cytogenetic location: 1q43.
Variant type: single nucleotide variant.
Coding change: c.14807A>G on transcript NM_001035.3 (MANE Select); coding-DNA position 14807, A replaced by G.
Protein change: p.Gln4936Arg; replaces glutamine 4936 with arginine.
Molecular consequence: missense variant.
Genome position (GRCh38, 1-based): chr1:237,831,564, A>G. VCF-style: chr1-237831564-A-G. GRCh37 (hg19) VCF-style: chr1-237994864-A-G.
Other names: short protein forms Q4936R.
Identifiers: ClinVar variation 2183214 (VCV002183214.5), dbSNP rs2528487643, ClinGen allele CA345409992.

ClinVar aggregate classification (germline): Conflicting classifications of pathogenicity. Review status: criteria provided, conflicting classifications (1 of 4 stars). 3 submissions from 3 submitters: Likely pathogenic (1); Uncertain significance (2). Last evaluated 2025-10-14.

Conditions:
Cardiomyopathy (CMYO). Also called: Cardiomyopathies. Identifiers: Orphanet 167848, MedGen C0878544, MONDO:0004994, HP:0001638. Inheritance: Various modes of inheritance.
Catecholaminergic polymorphic ventricular tachycardia (CVPT). Also called: Catecholamine-induced polymorphic ventricular tachycardia. Identifiers: Orphanet 3286, MedGen C5574922, MONDO:0017990.
Catecholaminergic polymorphic ventricular tachycardia 1. Also called: VENTRICULAR TACHYCARDIA, STRESS-INDUCED POLYMORPHIC 1; VENTRICULAR TACHYCARDIA, CATECHOLAMINERGIC POLYMORPHIC, 1, WITH OR WITHOUT ATRIAL DYSFUNCTION AND/OR DILATED CARDIOMYOPATHY; RYR2-Related Catecholaminergic Polymorphic Ventricular Tachycardia. Identifiers: Orphanet 3286, MedGen C1631597, MONDO:0011484, OMIM 604772.

Allele frequency attached by ClinVar (database versions not stated): gnomAD exomes below 0.00001.
gnomAD v4.1: 1 of 1,542,982 alleles (0.000065%); highest among the groups gnomAD compares: Non-Finnish European, 0.000089%; no homozygotes.

Submissions (3):

Color Diagnostics, LLC DBA Color Health
Classification: Uncertain significance for Cardiomyopathy. Last evaluated: 2025-10-14. Review status: criteria provided, single submitter. Criteria: ACMG Guidelines, 2015. Collection method: clinical testing. Allele origin: germline.
Comment: This missense variant replaces glutamine with arginine at codon 4936 of the RYR2 protein. This variant occurs in a highly conserved region of the C-terminal tail. Rare nontruncating variants in this region have been shown to be significantly overrepresented in individuals with catecholaminergic polymorphic ventricular tachycardia (PMID: 19926015, 30696458). Computational prediction suggests that this variant may have deleterious impact on protein structure and function. To our knowledge, functional studies have not been reported for this variant. This variant has not been reported in individuals affected with RYR2-related disorders in the literature. This variant has been identified in 1/1390632 chromosomes in the general population by the Genome Aggregation Database (gnomAD). The available evidence is insufficient to determine the role of this variant in disease conclusively. Therefore, this variant is classified as a Variant of Uncertain Significance.

Labcorp Genetics (formerly Invitae), Labcorp
Classification: Likely pathogenic for Catecholaminergic polymorphic ventricular tachycardia 1. Last evaluated: 2023-05-22. Review status: criteria provided, single submitter. Criteria: Invitae Variant Classification Sherloc (09022015). Collection method: clinical testing. Allele origin: germline.
Comment: In summary, the currently available evidence indicates that the variant is pathogenic, but additional data are needed to prove that conclusively. Therefore, this variant has been classified as Likely Pathogenic. This variant disrupts the p.Gln4936 amino acid residue in RYR2. Other variant(s) that disrupt this residue have been determined to be pathogenic (PMID: 26114861). This suggests that this residue is clinically significant, and that variants that disrupt this residue are likely to be disease-causing. Advanced modeling of protein sequence and biophysical properties (such as structural, functional, and spatial information, amino acid conservation, physicochemical variation, residue mobility, and thermodynamic stability) performed at Invitae indicates that this missense variant is expected to disrupt RYR2 protein function. ClinVar contains an entry for this variant (Variation ID: 2183214). This variant has not been reported in the literature in individuals affected with RYR2-related conditions. This variant is not present in population databases (gnomAD no frequency). This sequence change replaces glutamine, which is neutral and polar, with arginine, which is basic and polar, at codon 4936 of the RYR2 protein (p.Gln4936Arg).

All of Us Research Program, National Institutes of Health
Classification: Uncertain significance for Catecholaminergic polymorphic ventricular tachycardia. Last evaluated: 2023-05-04. Review status: criteria provided, single submitter. Criteria: ACMG Guidelines, 2015. Collection method: clinical testing. Allele origin: germline. Inheritance: Autosomal dominant inheritance. Observed: 1 variant allele, 1 heterozygote.
Comment: This missense variant replaces glutamine with arginine at codon 4936 of the RYR2 protein. Computational prediction suggests that this variant may have deleterious impact on protein structure and function (internally defined REVEL score threshold >= 0.7, PMID: 27666373). This variant is found within a highly conserved region of the C-terminal tail. Rare nontruncating variants in this region have been shown to be significantly overrepresented in individuals with catecholaminergic polymorphic ventricular tachycardia (PMID: 19926015, 30696458). To our knowledge, functional studies have not been reported for this variant. This variant has not been reported in individuals affected with RYR2-related disorders in the literature. This variant has not been identified in the general population by the Genome Aggregation Database (gnomAD). A different missense variant occurring at the same codon, p.Gln4936Lys, has been reported to be de novo in an individual affected with catecholaminergic polymorphic ventricular tachycardia (PMID: 26114861), indicating that glutamine at this position is important for RYR2 protein function. The available evidence is insufficient to determine the role of this variant in disease conclusively. Therefore, this variant is classified as a Variant of Uncertain Significance.

This study involves interpretation of variants in research participants for the purpose of population health screening. Participant phenotype was not available at the time of variant classification. Additional details can be found in publication PMID: 35346344, PMCID: PMC8962531

Literature cited by the submitters: PubMed 19926015 (cited by Color Diagnostics, LLC DBA Color Health and All of Us Research Program, National Institutes of Health); PubMed 30696458 (cited by Color Diagnostics, LLC DBA Color Health and All of Us Research Program, National Institutes of Health); PubMed 26114861 (cited by Labcorp Genetics (formerly Invitae), Labcorp and All of Us Research Program, National Institutes of Health).